The following is an entry in ClinVar:

NM_003060.4(SLC22A5):c.497+5G>T

Gene: SLC22A5 (solute carrier family 22 member 5; plus strand). Cytogenetic location: 5q31.1.
Variant type: single nucleotide variant.
Coding change: c.497+5G>T on transcript NM_003060.4 (MANE Select); 5 bases into the intron after coding-DNA position 497, G replaced by T.
Molecular consequence: intron variant.
Genome position (GRCh38, 1-based): chr5:132,378,486, G>T. VCF-style: chr5-132378486-G-T. GRCh37 (hg19) VCF-style: chr5-131714178-G-T.
Other names: c.569+5G>T (NM_001308122.2).
Identifiers: ClinVar variation 1945196 (VCV001945196.3), dbSNP rs763137182, ClinGen allele CA3403899.

ClinVar aggregate classification (germline): Uncertain significance (1 of 4 stars; one submission).

Conditions:
Renal carnitine transport defect (CDSP). Also called: Primary carnitine deficiency; Systemic primary carnitine deficiency; Carnitine transporter deficiency; Carnitine Deficiency, Systemic; Systemic primary carnitine deficiency disease; CARNITINE DEFICIENCY, SYSTEMIC, DUE TO DEFECT IN RENAL REABSORPTION OF CARNITINE. Identifiers: Orphanet 158, MedGen C0342788, MONDO:0008919, OMIM 212140.

Allele frequency attached by ClinVar (database versions not stated): ExAC 0.00001; gnomAD exomes 0.00001.
gnomAD v4.1: 4 of 1,607,018 alleles (0.00025%); highest among the groups gnomAD compares: Non-Finnish European, 0.00034%; no homozygotes.

Submission:

Labcorp Genetics (formerly Invitae), Labcorp
Classification: Uncertain significance for Renal carnitine transport defect. Last evaluated: 2025-10-02. Review status: criteria provided, single submitter. Criteria: Invitae Variant Classification Sherloc (09022015). Collection method: clinical testing. Allele origin: germline.
Comment: This sequence change falls in intron 2 of the SLC22A5 gene. It does not directly change the encoded amino acid sequence of the SLC22A5 protein. It affects a nucleotide within the consensus splice site. This variant is present in population databases (rs763137182, gnomAD 0.0009%). This variant has not been reported in the literature in individuals affected with SLC22A5-related conditions. ClinVar contains an entry for this variant (Variation ID: 1945196). Variants that disrupt the consensus splice site are a relatively common cause of aberrant splicing (PMID: 17576681, 9536098). Algorithms developed to predict the effect of sequence changes on RNA splicing suggest that this variant is not likely to affect RNA splicing. In summary, the available evidence is currently insufficient to determine the role of this variant in disease. Therefore, it has been classified as a Variant of Uncertain Significance.

Literature cited by the submitters: PubMed 17576681; PubMed 9536098.